The following is an entry in ClinVar:

ClinVar aggregate classification (germline): Likely pathogenic (1 of 4 stars; one submission).

Conditions:
Tuberous sclerosis 1 (TSC1). Identifiers: Orphanet 805, MedGen C1854465, MONDO:0008612, OMIM 191100.

Submission:

Institute of Human Genetics, University of Leipzig Medical Center
Classification: Likely pathogenic for Tuberous sclerosis 1. Last evaluated: 2023-11-14. Review status: criteria provided, single submitter. Criteria: ACMG Guidelines, 2015. Collection method: clinical testing. Allele origin: unknown. Inheritance: Autosomal dominant inheritance. Affected: yes.
Comment: Criteria applied: PVS1,PM2_SUP

NM_000368.5(TSC1):c.1229C>A (p.Ser410Ter)

Gene: TSC1 (TSC complex subunit 1; minus strand). Cytogenetic location: 9q34.13.
Variant type: single nucleotide variant.
Coding change: c.1229C>A on transcript NM_000368.5 (MANE Select); coding-DNA position 1229, C replaced by A.
Protein change: p.Ser410Ter; replaces serine 410 with a stop codon.
Molecular consequence: nonsense. On other transcripts: non-coding transcript variant (5).
Genome position (GRCh38, 1-based): chr9:132,910,605, G>T on the plus strand (C>A on the coding strand, the complement: TSC1 is on the minus strand). VCF-style: chr9-132910605-G-T. GRCh37 (hg19) VCF-style: chr9-135785992-G-T.
Other names: c.1226C>A, p.Ser409Ter (NM_001162426.2, NM_001406609.1, NM_001406597.1 and 6 more transcripts); c.1076C>A, p.Ser359Ter (NM_001162427.2, NM_001406610.1); c.1073C>A, p.Ser358Ter (NM_001406611.1, NM_001406612.1, NM_001406613.1); c.866C>A, p.Ser289Ter (NM_001406614.1, NM_001406615.1, NM_001406616.1 and 5 more transcripts); c.1229C>A, p.Ser410Ter (NM_001406592.1, NM_001406593.1, NM_001406594.1 and 7 more transcripts); c.863C>A, p.Ser288Ter (NM_001406620.1, NM_001406621.1, NM_001406622.1 and 2 more transcripts); c.278C>A, p.Ser93Ter (NM_001406626.1); c.275C>A, p.Ser92Ter (NM_001406627.1, NM_001406628.1); and 1 more; short protein forms S288*, S289*, S358*, S359*, S409*, S410*, S59*, S92*.
Identifiers: ClinVar variation 2664998 (VCV002664998.2), dbSNP rs1564487289, ClinGen allele CA375366848.